The following is an entry in ClinVar:

NM_001001344.3(ATP2B3):c.925C>T (p.Gln309Ter)

Gene: ATP2B3 (ATPase plasma membrane Ca2+ transporting 3; plus strand). Cytogenetic location: Xq28.
Variant type: single nucleotide variant.
Coding change: c.925C>T on transcript NM_001001344.3 (MANE Select); coding-DNA position 925, C replaced by T.
Protein change: p.Gln309Ter; replaces glutamine 309 with a stop codon.
Molecular consequence: nonsense. On other transcripts: intron variant (1).
Genome position (GRCh38, 1-based): chrX:153,546,096, C>T. VCF-style: chrX-153546096-C-T. GRCh37 (hg19) VCF-style: chrX-152811554-C-T.
Other names: c.925C>T, p.Gln309Ter (NM_001388360.1, NM_001388361.1, NM_001388362.1 and 1 more transcripts); c.917-1739C>T (NM_001410708.1); short protein forms Q309*.
Identifiers: ClinVar variation 4851453 (VCV004851453.1).

ClinVar aggregate classification (germline): Likely pathogenic (1 of 4 stars; one submission).

Conditions:
X-linked progressive cerebellar ataxia. Also called: OPCA, X-LINKED; Spinocerebellar ataxia, X-linked 1; OLIVOPONTOCEREBELLAR ATROPHY, X-LINKED. Identifiers: Orphanet 1175, MedGen C0796205, MONDO:0010547, OMIM 302500.

gnomAD v4.1: 1 of 1,211,220 alleles (0.000083%); highest among the groups gnomAD compares: Non-Finnish European, 0.00011%; no homozygotes.

Submission:

Institute of Immunology and Genetics Kaiserslautern
Classification: Likely pathogenic for X-linked progressive cerebellar ataxia. Last evaluated: 2026-01-06. Review status: criteria provided, single submitter. Criteria: ACMG Guidelines, 2015. Collection method: clinical testing. Allele origin: germline. Affected: yes.
Comment: ACMG Criteria: PVS1, PM2; Variant was found in hemizygous state.